The following is an entry in ClinVar:

ClinVar aggregate classification (germline): Likely benign. Review status: criteria provided, multiple submitters, no conflicts (2 of 4 stars). 8 submissions from 8 submitters: Likely benign (5). 3 of the submissions do not count toward it. Last evaluated 2026-06-01.

Allele frequency attached by ClinVar (database versions not stated): gnomAD exomes 0.00837; 1000 Genomes Project 0.00280; 1000 Genomes Project 30x 0.00328; TOPMed 0.00487; ExAC 0.00494; gnomAD 0.00498 and 0.00500; ESP Exome Variant Server 0.00615.
gnomAD v4.1: 12,799 of 1,613,856 alleles (0.79%); highest among the groups gnomAD compares: Non-Finnish European, 0.99%; 61 homozygotes.

Submissions (14):

CeGaT Center for Human Genetics Tuebingen
Classification: Likely benign. Last evaluated: 2026-06-01. Review status: criteria provided, single submitter. Criteria: CeGaT Center For Human Genetics Tuebingen Variant Classification Criteria Version 2. Collection method: clinical testing. Allele origin: germline. Affected: yes. Observed: 4 variant alleles.
Comment: GRM6: BS2

Labcorp Genetics (formerly Invitae), Labcorp
Classification: Likely benign. Last evaluated: 2026-01-29. Review status: criteria provided, single submitter. Criteria: Invitae Variant Classification Sherloc (09022015). Collection method: clinical testing. Allele origin: germline.

Blueprint Genetics
Classification: Likely benign. Last evaluated: 2024-11-26. Review status: criteria provided, single submitter. Criteria: ACMG Guidelines, 2015. Collection method: clinical testing. Allele origin: germline.

Eurofins Ntd Llc (ga)
Classification: Likely benign. Last evaluated: 2018-04-05. Review status: criteria provided, single submitter. Criteria: EGL ClinVar v180209 classification definitions. Collection method: clinical testing. Allele origin: germline. Observed: 3 variant alleles, 3 heterozygotes.

Breakthrough Genomics
Classification: Likely benign. Review status: criteria provided, single submitter. Criteria: ACMG Guidelines, 2015. Collection method: not provided. Allele origin: germline. Inheritance: Autosomal recessive inheritance. Affected: yes.

Clinical Genetics, Academic Medical Center
Classification: Benign. Review status: no assertion criteria provided. Collection method: clinical testing. Allele origin: germline. Affected: yes. Study: VKGL Data-share Consensus. Not counted in ClinVar's aggregate classification.

Dr. Peter K. Rogan Lab, Western University
No classification provided (evidence only). Condition: Lung cancer. Review status: no classification provided. Collection method: in vitro. Allele origin: not applicable. Functional consequence: retained intron. Not counted in ClinVar's aggregate classification.

Dr. Peter K. Rogan Lab, Western University
No classification provided (evidence only). Condition: Acute myeloid leukemia. Review status: no classification provided. Collection method: in vitro. Allele origin: not applicable. Functional consequence: retained intron. Not counted in ClinVar's aggregate classification.

Dr. Peter K. Rogan Lab, Western University
No classification provided (evidence only). Condition: Colon adenocarcinoma. Review status: no classification provided. Collection method: in vitro. Allele origin: not applicable. Functional consequence: retained intron. Not counted in ClinVar's aggregate classification.

Dr. Peter K. Rogan Lab, Western University
No classification provided (evidence only). Condition: Uterine corpus endometrial carcinoma. Review status: no classification provided. Collection method: in vitro. Allele origin: not applicable. Functional consequence: retained intron. Not counted in ClinVar's aggregate classification.

Dr. Peter K. Rogan Lab, Western University
No classification provided (evidence only). Condition: Hepatocellular carcinoma. Review status: no classification provided. Collection method: in vitro. Allele origin: not applicable. Functional consequence: retained intron. Not counted in ClinVar's aggregate classification.

Dr. Peter K. Rogan Lab, Western University
No classification provided (evidence only). Condition: Thymoma. Review status: no classification provided. Collection method: in vitro. Allele origin: not applicable. Functional consequence: retained intron. Not counted in ClinVar's aggregate classification.

Laboratory of Diagnostic Genome Analysis, Leiden University Medical Center (LUMC)
Classification: Likely benign. Review status: no assertion criteria provided. Collection method: clinical testing. Allele origin: germline. Affected: yes. Study: VKGL Data-share Consensus. Not counted in ClinVar's aggregate classification.

Retina International
No classification provided. Review status: no classification provided. Collection method: not provided. Allele origin: not provided. Not counted in ClinVar's aggregate classification.

NM_000843.4(GRM6):c.2092C>G (p.Leu698Val)

Genes: GRM6 (glutamate metabotropic receptor 6; minus strand), ZNF454 (zinc finger protein 454; plus strand). Cytogenetic location: 5q35.3.
Variant type: single nucleotide variant.
Coding change: c.2092C>G on transcript NM_000843.4 (MANE Select); coding-DNA position 2092, C replaced by G.
Protein change: p.Leu698Val; replaces leucine 698 with valine.
Molecular consequence: missense variant.
Genome position (GRCh38, 1-based): chr5:178,986,162, G>C on the plus strand (C>G on the coding strand, the complement: GRM6 is on the minus strand). VCF-style: chr5-178986162-G-C. GRCh37 (hg19) VCF-style: chr5-178413163-G-C.
Other names: short protein forms L698V.
Identifiers: ClinVar variation 99641 (VCV000099641.45), dbSNP rs62638623, ClinGen allele CA227667.
Genomic context (GRCh38, chr5:178,986,162, plus strand): 5'-CCTGGCCCTTGGGAGCCTACGGACCCACCTGCAGGGAGGTGAGGCTGAAGGTGATGACCA[G>C]CTGTGAGGTGGGGCTGATGAAGGGAGGGGGTGTGACCGAGCGCTTGCCCTGCTCAAAGAT-3'
Protein context (NP_000834.2, residues 688-708): PPPFISPTSQ[Leu698Val]VITFSLTSLQ